The following is an entry in ClinVar:

NM_000553.6(WRN):c.3561G>A (p.Met1187Ile)

Gene: WRN (WRN RecQ like helicase; plus strand). Cytogenetic location: 8p12.
Variant type: single nucleotide variant.
Coding change: c.3561G>A on transcript NM_000553.6 (MANE Select); coding-DNA position 3561, G replaced by A.
Protein change: p.Met1187Ile; replaces methionine 1187 with isoleucine.
Molecular consequence: missense variant.
Genome position (GRCh38, 1-based): chr8:31,147,465, G>A. VCF-style: chr8-31147465-G-A. GRCh37 (hg19) VCF-style: chr8-31004981-G-A.
Other names: short protein forms M1187I.
Identifiers: ClinVar variation 1500983 (VCV001500983.5), dbSNP rs1171713712, ClinGen allele CA370926129.

ClinVar aggregate classification (germline): Uncertain significance (1 of 4 stars; one submission).

Conditions:
Werner syndrome (WRN). Identifiers: Orphanet 902, MedGen C0043119, MONDO:0010196, OMIM 277700.

Allele frequency attached by ClinVar (database versions not stated): gnomAD exomes below 0.00001; TOPMed 0.00001; gnomAD 0.00002.

Submission:

Labcorp Genetics (formerly Invitae), Labcorp
Classification: Uncertain significance for Werner syndrome. Last evaluated: 2021-09-24. Review status: criteria provided, single submitter. Criteria: Invitae Variant Classification Sherloc (09022015). Collection method: clinical testing. Allele origin: germline.
Comment: This sequence change replaces methionine with isoleucine at codon 1187 of the WRN protein (p.Met1187Ile). The methionine residue is highly conserved and there is a small physicochemical difference between methionine and isoleucine. This variant is not present in population databases (ExAC no frequency). This variant has not been reported in the literature in individuals affected with WRN-related conditions. Algorithms developed to predict the effect of missense changes on protein structure and function are either unavailable or do not agree on the potential impact of this missense change (SIFT: "Not Available"; PolyPhen-2: "Possibly Damaging"; Align-GVGD: "Not Available"). In summary, the available evidence is currently insufficient to determine the role of this variant in disease. Therefore, it has been classified as a Variant of Uncertain Significance.